The following is an entry in ClinVar:

NM_030773.4(TUBB1):c.704del (p.Gly235fs)

Gene: TUBB1 (tubulin beta 1 class VI; plus strand). Cytogenetic location: 20q13.32.
Variant type: Deletion.
Coding change: c.704del on transcript NM_030773.4 (MANE Select); coding-DNA position 704, one base deleted (G; older notation c.704delG).
Protein change: p.Gly235fs; shifts the reading frame from glycine 235.
Molecular consequence: frameshift variant.
Genome position (GRCh38, 1-based): chr20:59,024,131, G deleted; the last of 2 consecutive G bases (chr20:59,024,130-59,024,131); deleting either gives the same sequence. VCF-style (leftmost placement, unchanged base first): chr20-59024129-CG-C. GRCh37 (hg19) VCF-style: chr20-57599184-CG-C.
Other names: short protein forms G235fs.
Identifiers: ClinVar variation 813272 (VCV000813272.3), dbSNP rs770554119, ClinGen allele CA9928567.

ClinVar aggregate classification (germline): Uncertain significance. Review status: criteria provided, single submitter (1 of 4 stars). 2 submissions from 2 submitters: Uncertain significance (1). 1 of the submissions does not count toward it. Last evaluated 2025-08-01.

Conditions:
Macrothrombocytopenia. Identifiers: MedGen C2751260, HP:0040185.

Submissions (2):

Labcorp Genetics (formerly Invitae), Labcorp
Classification: Uncertain significance. Last evaluated: 2025-08-01. Review status: criteria provided, single submitter. Criteria: Invitae Variant Classification Sherloc (09022015). Collection method: clinical testing. Allele origin: germline.
Comment: This sequence change creates a premature translational stop signal (p.Gly235Alafs*2) in the TUBB1 gene. While this is not anticipated to result in nonsense mediated decay, it is expected to disrupt the last 217 amino acid(s) of the TUBB1 protein. This variant is present in population databases (rs770554119, gnomAD 0.003%). This premature translational stop signal has been observed in individual(s) with clinical features of TUBB1-related conditions (PMID: 32581362). ClinVar contains an entry for this variant (Variation ID: 813272). Experimental studies and prediction algorithms are not available or were not evaluated, and the functional significance of this variant is currently unknown. In summary, the available evidence is currently insufficient to determine the role of this variant in disease. Therefore, it has been classified as a Variant of Uncertain Significance.

NIHR Bioresource Rare Diseases, University of Cambridge
Classification: Likely pathogenic for Macrothrombocytopenia. Review status: no assertion criteria provided. Collection method: research. Allele origin: unknown. Affected: yes. Observed: 1 variant allele. Not counted in ClinVar's aggregate classification.

Literature cited by the submitters: PubMed 32581362 (cited by Labcorp Genetics (formerly Invitae), Labcorp and NIHR Bioresource Rare Diseases, University of Cambridge).